The following is an entry in ClinVar:

ClinVar aggregate classification (germline): Benign (1 of 4 stars; one submission).

Allele frequency attached by ClinVar (database versions not stated): 1000 Genomes Project 30x 0.98626; 1000 Genomes Project 0.98762; TOPMed 0.99361; gnomAD 0.99615 and 0.99644.
gnomAD v4.1: 151,760 of 152,346 alleles (100%); highest among the groups gnomAD compares: Middle Eastern, 100%; 75,605 homozygotes.

Submission:

GeneDx
Classification: Benign. Last evaluated: 2018-06-19. Review status: criteria provided, single submitter. Criteria: GeneDx Variant Classification (06012015). Collection method: clinical testing. Allele origin: germline. Affected: yes.
Comment: This variant is considered likely benign or benign based on one or more of the following criteria: it is a conservative change, it occurs at a poorly conserved position in the protein, it is predicted to be benign by multiple in silico algorithms, and/or has population frequency not consistent with disease.

NM_201596.3(CACNB2):c.593+265G>T

Gene: CACNB2 (calcium voltage-gated channel auxiliary subunit beta 2; plus strand). Cytogenetic location: 10p12.31.
Variant type: single nucleotide variant.
Coding change: c.593+265G>T on transcript NM_201596.3 (MANE Select); 265 bases into the intron after coding-DNA position 593, G replaced by T.
Molecular consequence: intron variant.
Genome position (GRCh38, 1-based): chr10:18,501,213, G>T. VCF-style: chr10-18501213-G-T. GRCh37 (hg19) VCF-style: chr10-18790142-G-T.
Other names: c.509+265G>T (NM_201571.4, NM_001167945.2, NM_201572.4); c.593+265G>T (NM_201593.3, NM_201597.3); c.428+265G>T (NM_000724.4, NM_001330060.2); c.431+265G>T (NM_201590.3); c.449+265G>T (NM_201570.3).
Identifiers: ClinVar variation 673267 (VCV000673267.1), dbSNP rs10734060, ClinGen allele CA203217250.